The following is an entry in ClinVar:

ClinVar aggregate classification (germline): Uncertain significance (1 of 4 stars; one submission).

Conditions:
Neurodevelopmental disorder and structural brain anomalies with or without seizures and spasticity. Identifiers: MedGen C5394423, MONDO:0030046, OMIM 618890.

Submission:

Juno Genomics, Hangzhou Juno Genomics, Inc
Classification: Uncertain significance for Neurodevelopmental disorder and structural brain anomalies with or without seizures and spasticity. Review status: criteria provided, single submitter. Criteria: ACMG Guidelines, 2015. Collection method: clinical testing. Allele origin: germline.
Comment: Absent from controls (or at extremely low frequency if recessive) in Genome Aggregation Database.;Multiple lines of computational evidence support a deleterious effect on the gene or gene product.

NM_015466.4(PTPN23):c.4731G>A (p.Leu1577=)

Gene: PTPN23 (protein tyrosine phosphatase non-receptor type 23; plus strand). Cytogenetic location: 3p21.31.
Variant type: single nucleotide variant.
Coding change: c.4731G>A on transcript NM_015466.4 (MANE Select); coding-DNA position 4731, G replaced by A.
Protein change: p.Leu1577=; no amino-acid change (leucine 1577 retained).
Molecular consequence: synonymous variant.
Genome position (GRCh38, 1-based): chr3:47,413,005, G>A. VCF-style: chr3-47413005-G-A. GRCh37 (hg19) VCF-style: chr3-47454495-G-A.
Other names: c.4353G>A, p.Leu1451= (NM_001304482.2).
Identifiers: ClinVar variation 5006629 (VCV005006629.2).
Genomic context (GRCh38, chr3:47,413,005, plus strand): 5'-GCCTAAGGAGGAGCCGCCAGTGCCTGAAGCCCCCAGCTCGGGGCCCCCCTCCTCCTCCCT[G>A]GAATTGCTGGCCTCCTTGACCCCAGAGGCCTTCTCCCTGGACAGCTCCCTGCGGGGCAAA-3'
Protein context (NP_056281.1, residues 1567-1587): APSSGPPSSS[Leu1577=]ELLASLTPEA